The following is an entry in ClinVar:

NM_001035.3(RYR2):c.9880G>A (p.Ala3294Thr)

Gene: RYR2 (ryanodine receptor 2; plus strand). Cytogenetic location: 1q43.
Variant type: single nucleotide variant.
Coding change: c.9880G>A on transcript NM_001035.3 (MANE Select); coding-DNA position 9880, G replaced by A.
Protein change: p.Ala3294Thr; replaces alanine 3294 with threonine.
Molecular consequence: missense variant.
Genome position (GRCh38, 1-based): chr1:237,707,248, G>A. VCF-style: chr1-237707248-G-A. GRCh37 (hg19) VCF-style: chr1-237870548-G-A.
Other names: c.9880G>A (NM_001035.2); short protein forms A3294T.
Identifiers: ClinVar variation 806403 (VCV000806403.44), dbSNP rs746868168, ClinGen allele CA087967.

ClinVar aggregate classification (germline): Uncertain significance. Review status: criteria provided, multiple submitters, no conflicts (2 of 4 stars). 2 submissions from 2 submitters: Uncertain significance (2). Last evaluated 2023-07-05.

Conditions:
Cardiovascular phenotype. Identifiers: MedGen CN230736.

Allele frequency attached by ClinVar (database versions not stated): gnomAD exomes below 0.00001; ExAC 0.00002.
gnomAD v4.1: 2 of 1,546,062 alleles (0.00013%); highest among the groups gnomAD compares: Non-Finnish European, 0.00018%; no homozygotes.

Submissions (2):

Ambry Genetics
Classification: Uncertain significance for Cardiovascular phenotype. Last evaluated: 2023-07-05. Review status: criteria provided, single submitter. Criteria: Ambry Variant Classification Scheme 2023. Collection method: clinical testing. Allele origin: germline.
Comment: The p.A3294T variant (also known as c.9880G>A), located in coding exon 68 of the RYR2 gene, results from a G to A substitution at nucleotide position 9880. The alanine at codon 3294 is replaced by threonine, an amino acid with similar properties. This amino acid position is well conserved in available vertebrate species. In addition, this alteration is predicted to be tolerated by in silico analysis. Since supporting evidence is limited at this time, the clinical significance of this alteration remains unclear.

CeGaT Center for Human Genetics Tuebingen
Classification: Uncertain significance. Last evaluated: 2019-05-01. Review status: criteria provided, single submitter. Criteria: CeGaT Center For Human Genetics Tuebingen Variant Classification Criteria Version 2. Collection method: clinical testing. Allele origin: germline. Affected: yes. Observed: 1 variant allele.